The following is an entry in ClinVar:

ClinVar aggregate classification (germline): Uncertain significance (1 of 4 stars; one submission).

Submission:

Labcorp Genetics (formerly Invitae), Labcorp
Classification: Uncertain significance. Last evaluated: 2022-08-06. Review status: criteria provided, single submitter. Criteria: Invitae Variant Classification Sherloc (09022015). Collection method: clinical testing. Allele origin: germline.
Comment: This sequence change falls in intron 40 of the MYO7A gene. It does not directly change the encoded amino acid sequence of the MYO7A protein. It affects a nucleotide within the consensus splice site. This variant is not present in population databases (gnomAD no frequency). This variant has not been reported in the literature in individuals affected with MYO7A-related conditions. Variants that disrupt the consensus splice site are a relatively common cause of aberrant splicing (PMID: 17576681, 9536098). Algorithms developed to predict the effect of sequence changes on RNA splicing suggest that this variant is not likely to affect RNA splicing. In summary, the available evidence is currently insufficient to determine the role of this variant in disease. Therefore, it has been classified as a Variant of Uncertain Significance.

Literature cited by the submitters: PubMed 17576681; PubMed 9536098.

NM_000260.4(MYO7A):c.5636+4C>T

Gene: MYO7A (myosin VIIA; plus strand). Cytogenetic location: 11q13.5.
Variant type: single nucleotide variant.
Coding change: c.5636+4C>T on transcript NM_000260.4 (MANE Select); 4 bases into the intron after coding-DNA position 5636, C replaced by T.
Molecular consequence: intron variant.
Genome position (GRCh38, 1-based): chr11:77,205,621, C>T. VCF-style: chr11-77205621-C-T. GRCh37 (hg19) VCF-style: chr11-76916666-C-T.
Other names: c.5489+4C>T (NM_001369365.1); c.5522+4C>T (NM_001127180.2).
Identifiers: ClinVar variation 2022244 (VCV002022244.4), dbSNP rs2497707484, ClinGen allele CA2580084958.
Genomic context (GRCh38, chr11:77,205,621, plus strand): 5'-CCGAAAGCACTGCCCACTCGCCATCGACTGCCTGCAACGGCTCCAGAAAGCCCTGAGGTA[C>T]AGCGGCCACCAGGGGCAGGGACAGACACTGGGGCGGGCTCCTGGCCACGCGGGGCTTGTG-3'